The following is an entry in ClinVar:

NM_006009.4(TUBA1A):c.26T>C (p.Val9Ala)

Gene: TUBA1A (tubulin alpha 1a; minus strand). Cytogenetic location: 12q13.12.
Variant type: single nucleotide variant.
Coding change: c.26T>C on transcript NM_006009.4 (MANE Select); coding-DNA position 26, T replaced by C.
Protein change: p.Val9Ala; replaces valine 9 with alanine.
Molecular consequence: missense variant. On other transcripts: 5 prime UTR variant (1).
Genome position (GRCh38, 1-based): chr12:49,186,811, A>G on the plus strand (T>C on the coding strand, the complement: TUBA1A is on the minus strand). VCF-style: chr12-49186811-A-G. GRCh37 (hg19) VCF-style: chr12-49580594-A-G.
Other names: NM_006009.4(TUBA1A):c.26T>C; p.Val9Ala; c.26T>C, p.Val9Ala (NM_001270399.2); c.-80T>C (NM_001270400.2); c.26T>C (NM_006009.2); short protein forms V9A.
Identifiers: ClinVar variation 625491 (VCV000625491.12), dbSNP rs1565627795, ClinGen allele CA384646184.

ClinVar aggregate classification (germline): Conflicting classifications of pathogenicity. Review status: criteria provided, conflicting classifications (1 of 4 stars). 6 submissions from 6 submitters: Pathogenic (2); Likely pathogenic (2); Uncertain significance (1). 1 of the submissions does not count toward it. Last evaluated 2024-11-18.

Conditions:
Lissencephaly due to TUBA1A mutation (CDCBM16). Also called: CORTICAL DYSPLASIA, COMPLEX, WITH OTHER BRAIN MALFORMATIONS 16; Lissencephaly 3. Identifiers: Orphanet 171680, MedGen C4305153, MONDO:0012703, OMIM 611603.

Submissions (6):

GeneDx
Classification: Pathogenic. Last evaluated: 2024-11-18. Review status: criteria provided, single submitter. Criteria: GeneDx Variant Classification Process June 2021. Collection method: clinical testing. Allele origin: germline. Affected: yes.
Comment: Missense variants in this gene are a common cause of disease and they are underrepresented in the general population; In silico analysis supports that this missense variant has a deleterious effect on protein structure/function; Not observed at significant frequency in large population cohorts (gnomAD); This variant is associated with the following publications: (PMID: 30744660)

Labcorp Genetics (formerly Invitae), Labcorp
Classification: Pathogenic. Last evaluated: 2024-06-17. Review status: criteria provided, single submitter. Criteria: Invitae Variant Classification Sherloc (09022015). Collection method: clinical testing. Allele origin: germline.
Comment: This sequence change replaces valine, which is neutral and non-polar, with alanine, which is neutral and non-polar, at codon 9 of the TUBA1A protein (p.Val9Ala). This variant is not present in population databases (gnomAD no frequency). This missense change has been observed in individual(s) with TUBA1A-related conditions (PMID: 30744660; Invitae). In at least one individual the variant was observed to be de novo. ClinVar contains an entry for this variant (Variation ID: 625491). Advanced modeling of protein sequence and biophysical properties (such as structural, functional, and spatial information, amino acid conservation, physicochemical variation, residue mobility, and thermodynamic stability) performed at Invitae indicates that this missense variant is expected to disrupt TUBA1A protein function with a positive predictive value of 80%. For these reasons, this variant has been classified as Pathogenic.

Broad Center for Mendelian Genomics, Broad Institute of MIT and Harvard
Classification: Uncertain significance for Lissencephaly due to TUBA1A mutation. Last evaluated: 2024-05-22. Review status: criteria provided, single submitter. Criteria: ACMG Guidelines, 2015. Collection method: curation. Allele origin: germline. Inheritance: Autosomal dominant inheritance.
Comment: Trio exome analysis showed this variant to be de novo. The variant has also been reported de novo in one individual with lissencephaly (PMID: 30744660) with confirmed paternity and maternity. It was absent from large population studies. This variant has been reported in ClinVar (Variation ID: 625491) and has been interpreted as uncertain significance by Invitae and likely pathogenic/pathogenic by University Hospital Tübingen Institute of Medical Genetics and Applied Genomics and Génétique des Maladies du Développement (Hospices Civils de Lyon). Computational prediction tools and conservation analyses suggest that this variant may impact the protein, though this information is not predictive enough to determine pathogenicity. The number of missense variants reported in TUBA1A in the general population is lower than expected, suggesting there is little benign variation in this gene and slightly increasing the possibility that a missense variant in this gene may not be tolerated. In summary, the clinical significance of the p.Val9Ala variant is uncertain. ACMG/AMP Criteria applied: PS2_Moderate, PP3, PP2, PM2_Supporting (Richards 2015).

Institute of Medical Genetics and Applied Genomics, University Hospital Tübingen
Classification: Likely pathogenic. Last evaluated: 2020-10-23. Review status: criteria provided, single submitter. Criteria: ACMG Guidelines, 2015. Collection method: clinical testing. Allele origin: germline. Inheritance: Autosomal dominant inheritance. Affected: yes.

Juno Genomics, Hangzhou Juno Genomics, Inc
Classification: Likely pathogenic for Lissencephaly due to TUBA1A mutation. Review status: criteria provided, single submitter. Criteria: ACMG Guidelines, 2015. Collection method: clinical testing. Allele origin: germline. Affected: yes.
Comment: Absent from controls (or at extremely low frequency if recessive) in Genome Aggregation Database.;De novo (both maternity and paternity confirmed) in a patient with the disease and no family history.;Multiple lines of computational evidence support a deleterious effect on the gene or gene product.;Missense variant in a gene that has a low rate of benign missense variation.;Patient's phenotype or family history is highly specific for a disease with a single genetic etiology.

Cytogénomique, Hospices Civils de Lyon
Classification: Pathogenic for Lissencephaly due to TUBA1A mutation. Review status: flagged submission. Collection method: clinical testing. Allele origin: de novo. Inheritance: Autosomal dominant inheritance. Affected: yes. Not counted in ClinVar's aggregate classification.
ClinVar note: Reason: Older and outlier claim with insufficient supporting evidence

Literature cited by the submitters: PubMed 30744660 (cited by Labcorp Genetics (formerly Invitae), Labcorp).